The following is an entry in ClinVar:

ClinVar aggregate classification (germline): Uncertain significance. Review status: criteria provided, multiple submitters, no conflicts (2 of 4 stars). 2 submissions from 2 submitters: Uncertain significance (2). Last evaluated 2026-01-05.

Allele frequency attached by ClinVar (database versions not stated): gnomAD 0.00003; TOPMed 0.00005.
gnomAD v4.1: 50 of 1,614,156 alleles (0.0031%); highest among the groups gnomAD compares: South Asian, 0.0066%; no homozygotes.

Submissions (2):

Labcorp Genetics (formerly Invitae), Labcorp
Classification: Uncertain significance. Last evaluated: 2026-01-05. Review status: criteria provided, single submitter. Criteria: Invitae Variant Classification Sherloc (09022015). Collection method: clinical testing. Allele origin: germline.
Comment: This sequence change replaces asparagine, which is neutral and polar, with serine, which is neutral and polar, at codon 430 of the MCM2 protein (p.Asn430Ser). This variant is present in population databases (rs372110727, gnomAD 0.03%). This variant has not been reported in the literature in individuals affected with MCM2-related conditions. ClinVar contains an entry for this variant (Variation ID: 1500502). Invitae Evidence Modeling of protein sequence and biophysical properties (such as structural, functional, and spatial information, amino acid conservation, physicochemical variation, residue mobility, and thermodynamic stability) indicates that this missense variant is not expected to disrupt MCM2 protein function with a negative predictive value of 80%. In summary, the available evidence is currently insufficient to determine the role of this variant in disease. Therefore, it has been classified as a Variant of Uncertain Significance.

Ambry Genetics
Classification: Uncertain significance. Last evaluated: 2025-02-18. Review status: criteria provided, single submitter. Criteria: Ambry Variant Classification Scheme 2023. Collection method: clinical testing. Allele origin: germline.

NM_004526.4(MCM2):c.1289A>G (p.Asn430Ser)

Gene: MCM2 (minichromosome maintenance complex component 2; plus strand). Cytogenetic location: 3q21.3.
Variant type: single nucleotide variant.
Coding change: c.1289A>G on transcript NM_004526.4 (MANE Select); coding-DNA position 1289, A replaced by G.
Protein change: p.Asn430Ser; replaces asparagine 430 with serine.
Molecular consequence: missense variant. On other transcripts: non-coding transcript variant (1).
Genome position (GRCh38, 1-based): chr3:127,608,884, A>G. VCF-style: chr3-127608884-A-G. GRCh37 (hg19) VCF-style: chr3-127327727-A-G.
Other names: c.1289A>G (NM_004526.2); short protein forms N430S.
Identifiers: ClinVar variation 1500502 (VCV001500502.9), dbSNP rs372110727, ClinGen allele CA2595852.